The following is an entry in ClinVar:

ClinVar aggregate classification (germline): Uncertain significance (1 of 4 stars; one submission).

Allele frequency attached by ClinVar (database versions not stated): gnomAD 0.00001; TOPMed 0.00001.
gnomAD v4.1: 5 of 1,611,634 alleles (0.00031%); highest among the groups gnomAD compares: East Asian, 0.0022%; no homozygotes.

Submission:

Labcorp Genetics (formerly Invitae), Labcorp
Classification: Uncertain significance. Last evaluated: 2024-09-05. Review status: criteria provided, single submitter. Criteria: Invitae Variant Classification Sherloc (09022015). Collection method: clinical testing. Allele origin: germline.
Comment: This sequence change replaces proline, which is neutral and non-polar, with serine, which is neutral and polar, at codon 194 of the PRDM13 protein (p.Pro194Ser). This variant is not present in population databases (gnomAD no frequency). This variant has not been reported in the literature in individuals affected with PRDM13-related conditions. ClinVar contains an entry for this variant (Variation ID: 2093097). An algorithm developed to predict the effect of missense changes on protein structure and function (PolyPhen-2) suggests that this variant is likely to be tolerated. In summary, the available evidence is currently insufficient to determine the role of this variant in disease. Therefore, it has been classified as a Variant of Uncertain Significance.

NM_021620.4(PRDM13):c.580C>T (p.Pro194Ser)

Gene: PRDM13 (PR/SET domain 13; plus strand). Cytogenetic location: 6q16.2.
Variant type: single nucleotide variant.
Coding change: c.580C>T on transcript NM_021620.4 (MANE Select); coding-DNA position 580, C replaced by T.
Protein change: p.Pro194Ser; replaces proline 194 with serine.
Molecular consequence: missense variant.
Genome position (GRCh38, 1-based): chr6:99,613,215, C>T. VCF-style: chr6-99613215-C-T. GRCh37 (hg19) VCF-style: chr6-100061091-C-T.
Other names: short protein forms P194S.
Identifiers: ClinVar variation 2093097 (VCV002093097.4), dbSNP rs780201830, ClinGen allele CA365115710.
Genomic context (GRCh38, chr6:99,613,215, plus strand): 5'-GAACACGCGGCTCGCCAAGGCGCCGTCCCAGCGGCTGATGGCCTCGGTCTCTCCCCAAAA[C>T]CCCCGGCGCCCGATTTCGCCGCGCCTTCCCAGGCAGGAACTTTGCGACCCCACCCCCTGG-3'
Protein context (NP_067633.2, residues 184-204): AADGLGLSPK[Pro194Ser]PAPDFAAPSQ